The following is an entry in ClinVar:

ClinVar aggregate classification (germline): Uncertain significance (1 of 4 stars; one submission).

Allele frequency attached by ClinVar (database versions not stated): gnomAD exomes below 0.00001; TOPMed below 0.00001.
gnomAD v4.1: 1 of 1,587,398 alleles (0.000063%); highest among the groups gnomAD compares: Non-Finnish European, 0.000086%; no homozygotes.

Submission:

Labcorp Genetics (formerly Invitae), Labcorp
Classification: Uncertain significance. Last evaluated: 2022-09-27. Review status: criteria provided, single submitter. Criteria: Invitae Variant Classification Sherloc (09022015). Collection method: clinical testing. Allele origin: germline.
Comment: In summary, the available evidence is currently insufficient to determine the role of this variant in disease. Therefore, it has been classified as a Variant of Uncertain Significance. This sequence change replaces tyrosine, which is neutral and polar, with histidine, which is basic and polar, at codon 956 of the JAK2 protein (p.Tyr956His). This variant is not present in population databases (gnomAD no frequency). This variant has not been reported in the literature in individuals affected with JAK2-related conditions. Advanced modeling of protein sequence and biophysical properties (such as structural, functional, and spatial information, amino acid conservation, physicochemical variation, residue mobility, and thermodynamic stability) performed at Invitae indicates that this missense variant is expected to disrupt JAK2 protein function.

NM_004972.4(JAK2):c.2866T>C (p.Tyr956His)

Genes: INSL6 (insulin like 6; minus strand), JAK2 (Janus kinase 2; plus strand). Cytogenetic location: 9p24.1.
Variant type: single nucleotide variant.
Coding change: c.2866T>C on transcript NM_004972.4 (MANE Select); coding-DNA position 2866, T replaced by C.
Protein change: p.Tyr956His; replaces tyrosine 956 with histidine.
Molecular consequence: missense variant. On other transcripts: non-coding transcript variant (2).
Genome position (GRCh38, 1-based): chr9:5,090,550, T>C. VCF-style: chr9-5090550-T-C. GRCh37 (hg19) VCF-style: chr9-5090550-T-C.
Other names: c.2866T>C, p.Tyr956His (NM_001322194.2, NM_001322195.2, NM_001322196.2); c.1651T>C, p.Tyr551His (NM_001322198.2, NM_001322199.2); c.2419T>C, p.Tyr807His (NM_001322204.2); short protein forms Y551H, Y807H, Y956H.
Identifiers: ClinVar variation 1935774 (VCV001935774.5), dbSNP rs1257909301, ClinGen allele CA372829484.